The following is an entry in ClinVar:

NM_002098.6(GUCA1B):c.87G>A (p.Val29=)

Gene: GUCA1B (guanylate cyclase activator 1B; minus strand). Cytogenetic location: 6p21.1.
Variant type: single nucleotide variant.
Coding change: c.87G>A on transcript NM_002098.6 (MANE Select); coding-DNA position 87, G replaced by A.
Protein change: p.Val29=; no amino-acid change (valine 29 retained).
Molecular consequence: synonymous variant.
Genome position (GRCh38, 1-based): chr6:42,194,734, C>T on the plus strand (G>A on the coding strand, the complement: GUCA1B is on the minus strand). VCF-style: chr6-42194734-C-T. GRCh37 (hg19) VCF-style: chr6-42162472-C-T.
Identifiers: ClinVar variation 356737 (VCV000356737.17), dbSNP rs149820788, ClinGen allele CA3805655.

ClinVar aggregate classification (germline): Benign/Likely benign. Review status: criteria provided, multiple submitters, no conflicts (2 of 4 stars). 4 submissions from 4 submitters: Benign (3); Likely benign (1). Last evaluated 2025-12-10.

Conditions:
Retinal dystrophy. Also called: Inherited retinal dystrophy. Identifiers: Orphanet 71862, MedGen C0854723, MeSH D058499, MONDO:0019118, HP:0000556.
Retinitis pigmentosa (RP). Identifiers: Orphanet 791, MedGen C0035334, MeSH D012174, MONDO:0019200, OMIM 268000. Inheritance: Autosomal dominant, autosomal recessive and X linked inheritance.

Allele frequency attached by ClinVar (database versions not stated): gnomAD exomes 0.00030 and 0.00107; gnomAD 0.00036 and 0.00047; TOPMed 0.00049; ExAC 0.00124; 1000 Genomes Project 30x 0.00328; 1000 Genomes Project 0.00339.

Submissions (4):

Labcorp Genetics (formerly Invitae), Labcorp
Classification: Benign. Last evaluated: 2025-12-10. Review status: criteria provided, single submitter. Criteria: Invitae Variant Classification Sherloc (09022015). Collection method: clinical testing. Allele origin: germline.

Blueprint Genetics
Classification: Likely benign. Last evaluated: 2024-05-20. Review status: criteria provided, single submitter. Criteria: ACMG Guidelines, 2015. Collection method: clinical testing. Allele origin: germline.

Dept Of Ophthalmology, Nagoya University
Classification: Benign for Retinal dystrophy. Last evaluated: 2023-10-01. Review status: criteria provided, single submitter. Criteria: Submitter's publication. Collection method: research. Allele origin: germline. Affected: yes.

Illumina Laboratory Services, Illumina
Classification: Benign for Retinitis pigmentosa. Last evaluated: 2018-01-13. Review status: criteria provided, single submitter. Criteria: ICSL Variant Classification Criteria 13 December 2019. Collection method: clinical testing. Allele origin: germline.
Comment: This variant was observed in the ICSL laboratory as part of a predisposition screen in an ostensibly healthy population. It had not been previously curated by ICSL or reported in the Human Gene Mutation Database (HGMD: prior to June 1st, 2018), and was therefore a candidate for classification through an automated scoring system. Utilizing variant allele frequency, disease prevalence and penetrance estimates, and inheritance mode, an automated score was calculated to assess if this variant is too frequent to cause the disease. Based on the score and internal cut-off values, a variant classified as benign is not then subjected to further curation. The score for this variant resulted in a classification of benign for this disease.